The following is an entry in ClinVar:

NM_002693.3(POLG):c.2145A>T (p.Gln715His)

Gene: POLG (DNA polymerase gamma, catalytic subunit; minus strand). Cytogenetic location: 15q26.1.
Variant type: single nucleotide variant.
Coding change: c.2145A>T on transcript NM_002693.3 (MANE Select); coding-DNA position 2145, A replaced by T.
Protein change: p.Gln715His; replaces glutamine 715 with histidine.
Molecular consequence: missense variant.
Genome position (GRCh38, 1-based): chr15:89,323,827, T>A on the plus strand (A>T on the coding strand, the complement: POLG is on the minus strand). VCF-style: chr15-89323827-T-A. GRCh37 (hg19) VCF-style: chr15-89867058-T-A.
Other names: p.Q715H:CAA>CAT; c.2145A>T, p.Gln715His (NM_001126131.2); short protein forms Q715H.
Identifiers: ClinVar variation 206511 (VCV000206511.10), dbSNP rs796052882, ClinGen allele CA316668.

ClinVar aggregate classification (germline): Uncertain significance. Review status: criteria provided, multiple submitters, no conflicts (2 of 4 stars). 2 submissions from 2 submitters: Uncertain significance (2). Last evaluated 2025-11-25.

Conditions:
Progressive sclerosing poliodystrophy (MTDPS4A). Also called: ALPERS DIFFUSE DEGENERATION OF CEREBRAL GRAY MATTER WITH HEPATIC CIRRHOSIS; Alpers-Huttenlocher Syndrome; ALPERS PROGRESSIVE INFANTILE POLIODYSTROPHY; NEURONAL DEGENERATION OF CHILDHOOD WITH LIVER DISEASE, PROGRESSIVE; Mitochondrial DNA Depletion Syndrome 4A; Alpers-Huttenlocher Syndrome (AHS). Identifiers: Orphanet 726, MedGen C0205710, MONDO:0008758, OMIM 203700.

Allele frequency attached by ClinVar (database versions not stated): TOPMed 0.00002.
gnomAD v4.1: 14 of 1,613,656 alleles (0.00087%); highest among the groups gnomAD compares: Middle Eastern, 0.017%; no homozygotes.

Submissions (2):

Labcorp Genetics (formerly Invitae), Labcorp
Classification: Uncertain significance for Progressive sclerosing poliodystrophy. Last evaluated: 2025-11-25. Review status: criteria provided, single submitter. Criteria: Invitae Variant Classification Sherloc (09022015). Collection method: clinical testing. Allele origin: germline.
Comment: This sequence change replaces glutamine, which is neutral and polar, with histidine, which is basic and polar, at codon 715 of the POLG protein (p.Gln715His). This variant is present in population databases (rs796052882, gnomAD 0.0009%). This variant has not been reported in the literature in individuals affected with POLG-related conditions. ClinVar contains an entry for this variant (Variation ID: 206511). Invitae Evidence Modeling of protein sequence and biophysical properties (such as structural, functional, and spatial information, amino acid conservation, physicochemical variation, residue mobility, and thermodynamic stability) indicates that this missense variant is not expected to disrupt POLG protein function with a negative predictive value of 95%. In summary, the available evidence is currently insufficient to determine the role of this variant in disease. Therefore, it has been classified as a Variant of Uncertain Significance.

GeneDx
Classification: Uncertain significance. Last evaluated: 2023-12-21. Review status: criteria provided, single submitter. Criteria: GeneDx Variant Classification Process June 2021. Collection method: clinical testing. Allele origin: germline. Affected: yes.
Comment: Not observed at significant frequency in large population cohorts (gnomAD); In silico analysis supports that this missense variant does not alter protein structure/function; Has not been previously published as pathogenic or benign to our knowledge